The following is an entry in ClinVar:

NM_020335.3(VANGL2):c.314G>A (p.Arg105His)

Gene: VANGL2 (VANGL planar cell polarity protein 2; plus strand). Cytogenetic location: 1q23.2.
Variant type: single nucleotide variant.
Coding change: c.314G>A on transcript NM_020335.3 (MANE Select); coding-DNA position 314, G replaced by A.
Protein change: p.Arg105His; replaces arginine 105 with histidine.
Molecular consequence: missense variant.
Genome position (GRCh38, 1-based): chr1:160,419,123, G>A. VCF-style: chr1-160419123-G-A. GRCh37 (hg19) VCF-style: chr1-160388913-G-A.
Other names: short protein forms R105H.
Identifiers: ClinVar variation 4873044 (VCV004873044.2).
Genomic context (GRCh38, chr1:160,419,123, plus strand): 5'-ATGATGACCTCACACGCATCGCCAAGGACATGGAGGACAGTGTCCCTCTGGACTGCTCCC[G>A]TCACCTGGGTGTGGCAGCGGGGGCCACCCTGGCACTGCTGTCTTTCCTCACGCCTCTGGC-3'
Protein context (NP_065068.1, residues 95-115): MEDSVPLDCS[Arg105His]HLGVAAGATL

ClinVar aggregate classification (germline): Uncertain significance (1 of 4 stars; one submission).

gnomAD v4.1: 92 of 1,614,144 alleles (0.0057%); highest among the groups gnomAD compares: Admixed American, 0.0067%; no homozygotes.

Submission:

CeGaT Center for Human Genetics Tuebingen
Classification: Uncertain significance. Last evaluated: 2026-06-01. Review status: criteria provided, single submitter. Criteria: CeGaT Center For Human Genetics Tuebingen Variant Classification Criteria Version 2. Collection method: clinical testing. Allele origin: germline. Affected: yes. Observed: 1 variant allele.
Comment: VANGL2: PP3